The following is an entry in ClinVar:

NM_002878.4(RAD51D):c.224T>C (p.Leu75Pro)

Genes: RAD51D (RAD51 paralog D; minus strand), RAD51L3-RFFL (RAD51L3-RFFL readthrough; minus strand). Cytogenetic location: 17q12.
Variant type: single nucleotide variant.
Coding change: c.224T>C on transcript NM_002878.4 (MANE Select); coding-DNA position 224, T replaced by C.
Protein change: p.Leu75Pro; replaces leucine 75 with proline.
Molecular consequence: missense variant. On other transcripts: intron variant (2).
Genome position (GRCh38, 1-based): chr17:35,118,540, A>G on the plus strand (T>C on the coding strand, the complement: RAD51D is on the minus strand). VCF-style: chr17-35118540-A-G. GRCh37 (hg19) VCF-style: chr17-33445559-A-G.
Other names: c.144+571T>C (NM_133629.3, NM_001142571.2); short protein forms L75P.
Identifiers: ClinVar variation 1331092 (VCV001331092.16), dbSNP rs2142473963, ClinGen allele CA399091250.

ClinVar aggregate classification (germline): Uncertain significance. Review status: criteria provided, multiple submitters, no conflicts (2 of 4 stars). 3 submissions from 3 submitters: Uncertain significance (3). Last evaluated 2026-01-19.

Conditions:
Hereditary cancer-predisposing syndrome. Also called: Tumor predisposition; Hereditary Cancer Syndrome; Neoplastic Syndromes, Hereditary; Hereditary neoplastic syndrome. Identifiers: Orphanet 140162, MedGen C0027672, MeSH D009386, MONDO:0015356.
Breast-ovarian cancer, familial, susceptibility to, 4. Identifiers: Orphanet 145, MedGen C3280345, MONDO:0013669, OMIM 614291.

gnomAD v4.1: 1 of 1,614,172 alleles (0.000062%); highest among the groups gnomAD compares: Non-Finnish European, 0.000085%; no homozygotes.

Submissions (3):

Labcorp Genetics (formerly Invitae), Labcorp
Classification: Uncertain significance for Breast-ovarian cancer, familial, susceptibility to, 4. Last evaluated: 2026-01-19. Review status: criteria provided, single submitter. Criteria: Invitae Variant Classification Sherloc (09022015). Collection method: clinical testing. Allele origin: germline.
Comment: This sequence change replaces leucine, which is neutral and non-polar, with proline, which is neutral and non-polar, at codon 75 of the RAD51D protein (p.Leu75Pro). This variant is not present in population databases (gnomAD no frequency). This missense change has been observed in individual(s) with personal and/or family history of breast and/or ovarian cancer (PMID: 34284872). ClinVar contains an entry for this variant (Variation ID: 1331092). Invitae Evidence Modeling of protein sequence and biophysical properties (such as structural, functional, and spatial information, amino acid conservation, physicochemical variation, residue mobility, and thermodynamic stability) indicates that this missense variant is not expected to disrupt RAD51D protein function with a negative predictive value of 80%. In summary, the available evidence is currently insufficient to determine the role of this variant in disease. Therefore, it has been classified as a Variant of Uncertain Significance.

Ambry Genetics
Classification: Uncertain significance for Hereditary cancer-predisposing syndrome. Last evaluated: 2024-09-27. Review status: criteria provided, single submitter. Criteria: Ambry Variant Classification Scheme 2023. Collection method: clinical testing. Allele origin: germline.
Comment: The p.L75P variant (also known as c.224T>C), located in coding exon 3 of the RAD51D gene, results from a T to C substitution at nucleotide position 224. The leucine at codon 75 is replaced by proline, an amino acid with similar properties. This amino acid position is highly conserved in available vertebrate species. In addition, this alteration is predicted to be deleterious by in silico analysis. Based on the available evidence, the clinical significance of this variant remains unclear.

ARUP Laboratories, Molecular Genetics and Genomics, ARUP Laboratories
Classification: Uncertain significance for Breast-ovarian cancer, familial, susceptibility to, 4. Last evaluated: 2021-02-15. Review status: criteria provided, single submitter. Criteria: ARUP Molecular Germline Variant Investigation Process 2021. Collection method: clinical testing. Allele origin: germline.
Comment: The RAD51D c.224T>C; p.Leu75Pro variant, to our knowledge, is not reported in the medical literature or gene specific databases. This variant is also absent from general population databases (Exome Variant Server, Genome Aggregation Database), indicating it is not a common polymorphism. The leucine at codon 75 is moderately conserved, and computational analyses are uncertain whether this variant is neutral or deleterious (REVEL: 0.332). Due to limited information, the clinical significance of the p.Leu75Pro variant is uncertain at this time.

Literature cited by the submitters: PubMed 34284872 (cited by Labcorp Genetics (formerly Invitae), Labcorp).